The following is an entry in ClinVar:

ClinVar aggregate classification (germline): Uncertain significance (1 of 4 stars; one submission).

Conditions:
Seizures, benign familial infantile, 3 (BFIS3). Also called: CONVULSIONS, BENIGN FAMILIAL INFANTILE, 3; Familial neonatal seizures. Identifiers: Orphanet 140927, Orphanet 306, MedGen C1843140, MONDO:0011904, OMIM 607745.
Developmental and epileptic encephalopathy, 11 (DEE11). Also called: Early infantile epileptic encephalopathy 11. Identifiers: Orphanet 1934, MedGen C3150987, MONDO:0013388, OMIM 613721.

Submission:

Labcorp Genetics (formerly Invitae), Labcorp
Classification: Uncertain significance for Seizures, benign familial infantile, 3; Developmental and epileptic encephalopathy, 11. Last evaluated: 2025-07-07. Review status: criteria provided, single submitter. Criteria: Invitae Variant Classification Sherloc (09022015). Collection method: clinical testing. Allele origin: germline.
Comment: This sequence change replaces leucine, which is neutral and non-polar, with serine, which is neutral and polar, at codon 187 of the SCN2A protein (p.Leu187Ser). This variant is not present in population databases (gnomAD no frequency). This variant has not been reported in the literature in individuals affected with SCN2A-related conditions. ClinVar contains an entry for this variant (Variation ID: 1433417). Invitae Evidence Modeling of protein sequence and biophysical properties (such as structural, functional, and spatial information, amino acid conservation, physicochemical variation, residue mobility, and thermodynamic stability) indicates that this missense variant is expected to disrupt SCN2A protein function with a positive predictive value of 95%. In summary, the available evidence is currently insufficient to determine the role of this variant in disease. Therefore, it has been classified as a Variant of Uncertain Significance.

NM_001040142.2(SCN2A):c.560T>C (p.Leu187Ser)

Gene: SCN2A (sodium voltage-gated channel alpha subunit 2; plus strand). Cytogenetic location: 2q24.3.
Variant type: single nucleotide variant.
Coding change: c.560T>C on transcript NM_001040142.2 (MANE Select); coding-DNA position 560, T replaced by C.
Protein change: p.Leu187Ser; replaces leucine 187 with serine.
Molecular consequence: missense variant.
Genome position (GRCh38, 1-based): chr2:165,308,749, T>C. VCF-style: chr2-165308749-T-C. GRCh37 (hg19) VCF-style: chr2-166165259-T-C.
Other names: c.560T>C, p.Leu187Ser (NM_001040143.2, NM_001371246.1, NM_001371247.1 and 1 more transcripts); short protein forms L187S.
Identifiers: ClinVar variation 1433417 (VCV001433417.8), dbSNP rs2105243435, ClinGen allele CA349016574.
Genomic context (GRCh38, chr2:165,308,749, plus strand): 5'-CTTTTGAATCACTTATTAAAATACTTGCAAGGGGCTTTTGTTTAGAAGATTTCACATTTT[T>C]ACGGGATCCATGGAATTGGTTGGATTTCACAGTCATTACTTTTGCGTAAGTATCTTAATA-3'
Protein context (NP_001035232.1, residues 177-197): RGFCLEDFTF[Leu187Ser]RDPWNWLDFT